The following is an entry in ClinVar:

NM_006005.3(WFS1):c.2039A>C (p.Glu680Ala)

Gene: WFS1 (wolframin ER transmembrane glycoprotein; plus strand). Cytogenetic location: 4p16.1.
Variant type: single nucleotide variant.
Coding change: c.2039A>C on transcript NM_006005.3 (MANE Select); coding-DNA position 2039, A replaced by C.
Protein change: p.Glu680Ala; replaces glutamic acid 680 with alanine.
Molecular consequence: missense variant.
Genome position (GRCh38, 1-based): chr4:6,301,834, A>C. VCF-style: chr4-6301834-A-C. GRCh37 (hg19) VCF-style: chr4-6303561-A-C.
Other names: c.2039A>C, p.Glu680Ala (NM_001145853.1); short protein forms E680A.
Identifiers: ClinVar variation 286507 (VCV000286507.29), dbSNP rs144840779, ClinGen allele CA2839581.

ClinVar aggregate classification (germline): Conflicting classifications of pathogenicity. Review status: criteria provided, conflicting classifications (1 of 4 stars). 9 submissions from 9 submitters: Uncertain significance (6); Uncertain risk allele (1); Likely benign (1). 1 of the submissions does not count toward it. Last evaluated 2026-09-04.

Conditions:
Wolfram-like syndrome. Also called: HEARING LOSS, PROGRESSIVE, WITH OPTIC ATROPHY AND/OR IMPAIRED GLUCOSE REGULATION. Identifiers: Orphanet 411590, MedGen C3280358, MONDO:0013673, OMIM 614296.
Wolfram syndrome 1 (WFS1). Identifiers: Orphanet 3463, MedGen C4551693, MONDO:0009101, OMIM 222300.
WFS1-related disorder. Identifiers: MedGen CN379391, MONDO:0700293.
Monogenic diabetes. Identifiers: Orphanet 183625, MedGen C3888631, MONDO:0015967.

Allele frequency attached by ClinVar (database versions not stated): gnomAD 0.00050 and 0.00048; TOPMed 0.00052; ESP Exome Variant Server 0.00085; 1000 Genomes Project 0.00120; 1000 Genomes Project 30x 0.00141; gnomAD exomes 0.00005 and 0.00016; ExAC 0.00020.
gnomAD v4.1: 151 of 1,613,164 alleles (0.0094%); highest among the groups gnomAD compares: African/African-American, 0.18%; no homozygotes.

Submissions (9):

GeneDx
Classification: Uncertain significance. Last evaluated: 2026-09-04. Review status: criteria provided, single submitter. Criteria: GeneDx Variant Classification Process June 2021. Collection method: clinical testing. Allele origin: germline.
Comment: Reported in a patient with sensorineural hearing loss in published literature (PMID: 34515852); In silico analysis supports that this missense variant has a deleterious effect on protein structure/function; This variant is associated with the following publications: (PMID: 17603484, 20738327, 18060660, 12955714, 33879153, 20301750, 34515852)

Labcorp Genetics (formerly Invitae), Labcorp
Classification: Likely benign. Last evaluated: 2025-10-15. Review status: criteria provided, single submitter. Criteria: Invitae Variant Classification Sherloc (09022015). Collection method: clinical testing. Allele origin: germline.

Blueprint Genetics
Classification: Uncertain significance. Last evaluated: 2023-05-31. Review status: criteria provided, single submitter. Criteria: ACMG Guidelines, 2015. Collection method: clinical testing. Allele origin: germline.

New York Genome Center
Classification: Uncertain significance for Wolfram syndrome 1; Wolfram-like syndrome. Last evaluated: 2020-11-30. Review status: criteria provided, single submitter. Criteria: NYGC Assertion Criteria 2020. Collection method: clinical testing. Allele origin: germline. Observed: 1 heterozygote.
Comment: The c.2039A>C (p.Glu680Ala) variant identified in the WFS1 gene substitutes a well conserved Glutamic Acid for Alanine at amino acid 680/891 (exon 8/8). This variant is found in gnomADv3.0 (73 heterozygotes, 0 homozygotes; allele frequency: 4.80e-4). In silico algorithms predict this variant to be Damaging (SIFT; score:0.018) and Pathogenic (REVEL; score:0.681) to the function of the canonical transcript. The c.2039A>C (p.Glu680Ala) variant is reported in ClinVar as a Variant of Uncertain Significance (3 entries) and as Likely Benign (1 entry) (VarID:286507). To our current knowledge this variant has not been previously reported in affected individuals in the literature. Given the lack of compelling evidence for its pathogenicity, thec.2039A>C (p.Glu680Ala) variant identified in the WFS1 gene is reported as a Variant of Uncertain Significance.

Eurofins Ntd Llc (ga)
Classification: Uncertain significance. Last evaluated: 2018-09-07. Review status: criteria provided, single submitter. Criteria: EGL ClinVar v180209 classification definitions. Collection method: clinical testing. Allele origin: germline. Observed: 1 variant allele, 1 heterozygote.

Laboratory for Molecular Medicine, Mass General Brigham Personalized Medicine
Classification: Uncertain significance. Last evaluated: 2017-12-21. Review status: criteria provided, single submitter. Criteria: LMM Criteria. Collection method: clinical testing. Allele origin: germline. Observed: 1 variant allele.
Comment: Variant classified as Uncertain Significance - Favor Benign. The p.Glu680Ala var iant in WFS1 has not been previously reported in individuals with hearing loss, but has been identified in 0.21% (51/24020) of African chromosomes by the Genome Aggregation Database (gnomAD; dbSNP rs1448407 79). Although this variant has been seen in the general population, its frequenc y is not high enough to rule out a pathogenic role. Computational prediction too ls and conservation analysis suggest that the p.Glu680Ala variant may not impact the protein, though this information is not predictive enough to rule out patho genicity. In summary, while the clinical significance of the p.Glu680Ala variant is uncertain, available data suggest that it is more likely to be benign. ACMG/ AMP Criteria applied: BP4.

Personalized Diabetes Medicine Program, University of Maryland School of Medicine
Classification: Uncertain significance for Monogenic diabetes. Last evaluated: 2017-06-26. Review status: criteria provided, single submitter. Criteria: ACMG Guidelines, 2015. Collection method: research. Allele origin: unknown. Observed: 1 variant allele, 1 heterozygote. Study: Personalized Diabetes Medicine Program.
Comment: ACMG Criteria:PP3 (9 predictors) NOTE: Emory calls VUS in ClinVar 4/2016

Clinical Genomics, Uppaluri K&H Personalized Medicine Clinic
Classification: Uncertain risk allele for Wolfram syndrome 1. Review status: criteria provided, single submitter. Criteria: K & H Uppaluri Personalized Medicine Clinic Variant Classification & Assertion Criteria_Updated V.1. Collection method: research. Allele origin: unknown. Inheritance: Autosomal recessive inheritance.
Comment: Potent mutations in WFS1 gene are associated with Wolfram's syndrome, an autosomal recessive condition, which cause diabetes mellitus, diabetes insipidus, deafness and optic atrophy.However no sufficient evidence is found to ascertain the role of this particular variant rs144840779 in Wolfram's syndrome yet.

PreventionGenetics, part of Exact Sciences
Classification: Likely benign for WFS1-related condition. Last evaluated: 2023-01-13. Review status: no assertion criteria provided. Collection method: clinical testing. Allele origin: germline. Not counted in ClinVar's aggregate classification.
Comment: This variant is classified as likely benign based on ACMG/AMP sequence variant interpretation guidelines (Richards et al. 2015 PMID: 25741868, with internal and published modifications).

Literature cited by the submitters: PubMed 17603484 (cited by Clinical Genomics, Uppaluri K&H Personalized Medicine Clinic); PubMed 20301750 (cited by Clinical Genomics, Uppaluri K&H Personalized Medicine Clinic); PubMed 18060660 (cited by Clinical Genomics, Uppaluri K&H Personalized Medicine Clinic); PubMed 12955714 (cited by Clinical Genomics, Uppaluri K&H Personalized Medicine Clinic); PubMed 33879153 (cited by Clinical Genomics, Uppaluri K&H Personalized Medicine Clinic); PubMed 20738327 (cited by Clinical Genomics, Uppaluri K&H Personalized Medicine Clinic).